The following is an entry in ClinVar:

ClinVar aggregate classification (germline): Uncertain significance (1 of 4 stars; one submission).

Submission:

Labcorp Genetics (formerly Invitae), Labcorp
Classification: Uncertain significance. Last evaluated: 2022-05-21. Review status: criteria provided, single submitter. Criteria: Invitae Variant Classification Sherloc (09022015). Collection method: clinical testing. Allele origin: germline.
Comment: In summary, the available evidence is currently insufficient to determine the role of this variant in disease. Therefore, it has been classified as a Variant of Uncertain Significance. This variant has not been reported in the literature in individuals affected with MYLK3-related conditions. This variant is not present in population databases (gnomAD no frequency). This sequence change creates a premature translational stop signal (p.Leu679Trpfs*35) in the MYLK3 gene. It is expected to result in an absent or disrupted protein product. However, the current clinical and genetic evidence is not sufficient to establish whether loss-of-function variants in MYLK3 cause disease.

NM_182493.3(MYLK3):c.2035del (p.Leu679fs)

Gene: MYLK3 (myosin light chain kinase 3; minus strand). Cytogenetic location: 16q11.2.
Variant type: Deletion.
Coding change: c.2035del on transcript NM_182493.3 (MANE Select); coding-DNA position 2035, one base deleted (C; older notation c.2035delC).
Protein change: p.Leu679fs; shifts the reading frame from leucine 679.
Molecular consequence: frameshift variant.
Genome position (GRCh38, 1-based): chr16:46,712,727, G deleted on the plus strand (C on the coding strand, the reverse complement: MYLK3 is on the minus strand); the first of 2 consecutive G bases (chr16:46,712,727-46,712,728); deleting either gives the same sequence. VCF-style (leftmost placement, unchanged base first): chr16-46712726-AG-A. GRCh37 (hg19) VCF-style: chr16-46746638-AG-A.
Other names: c.1012del, p.Leu338fs (NM_001308301.1); short protein forms L338fs, L679fs.
Identifiers: ClinVar variation 2130517 (VCV002130517.4), dbSNP rs2548898886, ClinGen allele CA2580091554.
Genomic context (GRCh38, chr16:46,712,726, plus strand): 5'-CCCACACTCCACATGTCTGTGGGGAATGAGACAAACTCATAATTGACGACTTCTGGGGCC[AG>A]GAACTCAGGAGTGCCGAAGTTCACCTTCAGCTTCTCTCGAGGCTTGTACCTGGGGAGAAG-3'